The following is an entry in ClinVar:

NM_025114.4(CEP290):c.3626C>G (p.Ser1209Cys)

Gene: CEP290 (centrosomal protein 290; minus strand). Cytogenetic location: 12q21.32.
Variant type: single nucleotide variant.
Coding change: c.3626C>G on transcript NM_025114.4 (MANE Select); coding-DNA position 3626, C replaced by G.
Protein change: p.Ser1209Cys; replaces serine 1209 with cysteine.
Molecular consequence: missense variant.
Genome position (GRCh38, 1-based): chr12:88,089,435, G>C on the plus strand (C>G on the coding strand, the complement: CEP290 is on the minus strand). VCF-style: chr12-88089435-G-C. GRCh37 (hg19) VCF-style: chr12-88483212-G-C.
Other names: short protein forms S1209C.
Identifiers: ClinVar variation 434739 (VCV000434739.12), dbSNP rs753350609, ClinGen allele CA6712105.

ClinVar aggregate classification (germline): Uncertain significance. Review status: criteria provided, multiple submitters, no conflicts (2 of 4 stars). 4 submissions from 4 submitters: Uncertain significance (4). Last evaluated 2025-05-27.

Conditions:
CEP290-related disorder. Also called: CEP290-related condition; CEP290-related disorders. Identifiers: MedGen CN239314.
Nephronophthisis. Also called: Juvenile Nephronophthisis. Identifiers: Orphanet 655, MedGen C0687120, MONDO:0019005, HP:0000090.
Meckel-Gruber syndrome. Also called: Dysencephalia splachnocystica; DYSENCEPHALIA SPLANCHNOCYSTICA; GRUBER SYNDROME. Identifiers: Orphanet 564, MedGen C0265215, MONDO:0018921.
Joubert syndrome. Also called: JOUBERT-BOLTSHAUSER SYNDROME; Familial aplasia of the vermis. Identifiers: Orphanet 475, MedGen C5979921, MONDO:0018772.

Allele frequency attached by ClinVar (database versions not stated): TOPMed below 0.00001; gnomAD exomes 0.00001; ExAC 0.00004.
gnomAD v4.1: 8 of 1,600,572 alleles (0.0005%); highest among the groups gnomAD compares: South Asian, 0.0011%; no homozygotes.

Submissions (4):

PreventionGenetics, part of Exact Sciences
Classification: Uncertain significance for CEP290-related condition. Last evaluated: 2025-05-27. Review status: criteria provided, single submitter. Criteria: ACMG Guidelines, 2015. Collection method: clinical testing. Allele origin: germline.
Comment: The CEP290 c.3626C>G variant is predicted to result in the amino acid substitution p.Ser1209Cys. To our knowledge, this variant has not been reported in the literature. This variant is reported in 0.0031% of alleles in individuals of European (Non-Finnish) descent in gnomAD. At this time, the clinical significance of this variant is uncertain due to the absence of conclusive functional and genetic evidence.

Blueprint Genetics
Classification: Uncertain significance. Last evaluated: 2024-10-24. Review status: criteria provided, single submitter. Criteria: ACMG Guidelines, 2015. Collection method: clinical testing. Allele origin: germline.

Labcorp Genetics (formerly Invitae), Labcorp
Classification: Uncertain significance for Joubert syndrome; Meckel-Gruber syndrome; Nephronophthisis. Last evaluated: 2024-01-08. Review status: criteria provided, single submitter. Criteria: Invitae Variant Classification Sherloc (09022015). Collection method: clinical testing. Allele origin: germline.
Comment: This sequence change replaces serine, which is neutral and polar, with cysteine, which is neutral and slightly polar, at codon 1209 of the CEP290 protein (p.Ser1209Cys). This variant is present in population databases (rs753350609, gnomAD 0.003%). This variant has not been reported in the literature in individuals affected with CEP290-related conditions. ClinVar contains an entry for this variant (Variation ID: 434739). Advanced modeling of protein sequence and biophysical properties (such as structural, functional, and spatial information, amino acid conservation, physicochemical variation, residue mobility, and thermodynamic stability) performed at Invitae indicates that this missense variant is not expected to disrupt CEP290 protein function with a negative predictive value of 80%. In summary, the available evidence is currently insufficient to determine the role of this variant in disease. Therefore, it has been classified as a Variant of Uncertain Significance.

Genetic Services Laboratory, University of Chicago
Classification: Uncertain significance. Last evaluated: 2016-11-21. Review status: criteria provided, single submitter. Criteria: ACMG Guidelines, 2015. Collection method: clinical testing. Allele origin: germline. Affected: no.